The following is an entry in ClinVar:

ClinVar aggregate classification (germline): Benign (1 of 4 stars; one submission).

Conditions:
Sulfite oxidase deficiency due to molybdenum cofactor deficiency type A. Also called: Molybdenum Cofactor Deficiency A; Molybdenum cofactor deficiency, complementation group A. Identifiers: Orphanet 308386, Orphanet 833, MedGen C1854988, MONDO:0009643, OMIM 252150.

Allele frequency attached by ClinVar (database versions not stated): gnomAD 0.05702 and 0.05811; TOPMed 0.06517; gnomAD exomes 0.02658 and 0.04511; ExAC 0.02916; 1000 Genomes Project 0.11562; 1000 Genomes Project 30x 0.11727.
gnomAD v4.1: 16,915 of 454,032 alleles (3.7%); highest among the groups gnomAD compares: East Asian, 21%; 989 homozygotes.

Submission:

Illumina Laboratory Services, Illumina
Classification: Benign for Sulfite oxidase deficiency due to molybdenum cofactor deficiency type A. Last evaluated: 2018-01-12. Review status: criteria provided, single submitter. Criteria: ICSL Variant Classification Criteria 13 December 2019. Collection method: clinical testing. Allele origin: germline.
Comment: This variant was observed in the ICSL laboratory as part of a predisposition screen in an ostensibly healthy population. It had not been previously curated by ICSL or reported in the Human Gene Mutation Database (HGMD: prior to June 1st, 2018), and was therefore a candidate for classification through an automated scoring system. Utilizing variant allele frequency, disease prevalence and penetrance estimates, and inheritance mode, an automated score was calculated to assess if this variant is too frequent to cause the disease. Based on the score and internal cut-off values, a variant classified as benign is not then subjected to further curation. The score for this variant resulted in a classification of benign for this disease.

NM_001358530.2(MOCS1):c.*1334A>C

Gene: MOCS1 (molybdenum cofactor synthesis 1; minus strand). Cytogenetic location: 6p21.2.
Variant type: single nucleotide variant.
Coding change: c.*1334A>C on transcript NM_001358530.2 (MANE Select); 1334 bases downstream of the stop codon, A replaced by C.
Molecular consequence: 3 prime UTR variant. On other transcripts: non-coding transcript variant (1).
Genome position (GRCh38, 1-based): chr6:39,905,023, T>G on the plus strand (A>C on the coding strand, the complement: MOCS1 is on the minus strand). VCF-style: chr6-39905023-T-G. GRCh37 (hg19) VCF-style: chr6-39872799-T-G.
Other names: c.*2102A>C (NM_001075098.4, NM_001358533.2, NM_001358534.2 and 1 more transcripts); c.*1334A>C (NM_001358529.2, NM_001358531.2).
Identifiers: ClinVar variation 356607 (VCV000356607.5), dbSNP rs3749999, ClinGen allele CA3795654.